The following is an entry in ClinVar:

ClinVar aggregate classification (germline): Uncertain significance (1 of 4 stars; one submission).

Submission:

Labcorp Genetics (formerly Invitae), Labcorp
Classification: Uncertain significance. Last evaluated: 2019-10-13. Review status: criteria provided, single submitter. Criteria: Invitae Variant Classification Sherloc (09022015). Collection method: clinical testing. Allele origin: germline.
Comment: This sequence change replaces cysteine with serine at codon 1570 of the NSD1 protein (p.Cys1570Ser). The cysteine residue is moderately conserved and there is a moderate physicochemical difference between cysteine and serine. This variant is not present in population databases (ExAC no frequency). In summary, the available evidence is currently insufficient to determine the role of this variant in disease. Therefore, it has been classified as a Variant of Uncertain Significance. Algorithms developed to predict the effect of missense changes on protein structure and function are either unavailable or do not agree on the potential impact of this missense change (SIFT: "Tolerated"; PolyPhen-2: "Probably Damaging"; Align-GVGD: "Class C0"). This variant has not been reported in the literature in individuals with NSD1-related conditions.

NM_022455.5(NSD1):c.4709G>C (p.Cys1570Ser)

Gene: NSD1 (nuclear receptor binding SET domain protein 1; plus strand). Cytogenetic location: 5q35.3.
Variant type: single nucleotide variant.
Coding change: c.4709G>C on transcript NM_022455.5 (MANE Select); coding-DNA position 4709, G replaced by C.
Protein change: p.Cys1570Ser; replaces cysteine 1570 with serine.
Molecular consequence: missense variant.
Genome position (GRCh38, 1-based): chr5:177,251,797, G>C. VCF-style: chr5-177251797-G-C. GRCh37 (hg19) VCF-style: chr5-176678798-G-C.
Other names: c.3836G>C, p.Cys1279Ser (NM_001365684.2, NM_001409306.1, NM_001409307.1 and 3 more transcripts); c.4709G>C, p.Cys1570Ser (NM_001409301.1, NM_001409302.1, NM_001409303.1); c.4289G>C, p.Cys1430Ser (NM_001409304.1); c.3956G>C, p.Cys1319Ser (NM_001409305.1); short protein forms C1301S, C1570S, C1279S, C1430S, C1319S.
Identifiers: ClinVar variation 955312 (VCV000955312.10), dbSNP rs1755989003, ClinGen allele CA362352024.